The following is an entry in ClinVar:

NM_033026.6(PCLO):c.9971G>A (p.Gly3324Glu)

Gene: PCLO (piccolo presynaptic cytomatrix protein; minus strand). Cytogenetic location: 7q21.11.
Variant type: single nucleotide variant.
Coding change: c.9971G>A on transcript NM_033026.6 (MANE Select); coding-DNA position 9971, G replaced by A.
Protein change: p.Gly3324Glu; replaces glycine 3324 with glutamic acid.
Molecular consequence: missense variant.
Genome position (GRCh38, 1-based): chr7:82,950,617, C>T on the plus strand (G>A on the coding strand, the complement: PCLO is on the minus strand). VCF-style: chr7-82950617-C-T. GRCh37 (hg19) VCF-style: chr7-82579933-C-T.
Other names: c.9971G>A, p.Gly3324Glu (NM_014510.3); c.9971G>A (NM_033026.5); short protein forms G3324E.
Identifiers: ClinVar variation 1465423 (VCV001465423.8), dbSNP rs200557838, ClinGen allele CA161141612.

ClinVar aggregate classification (germline): Uncertain significance. Review status: criteria provided, multiple submitters, no conflicts (2 of 4 stars). 3 submissions from 3 submitters: Uncertain significance (3). Last evaluated 2025-10-14.

Conditions:
Inborn genetic diseases. Identifiers: MedGen C0950123, MeSH D030342.

Allele frequency attached by ClinVar (database versions not stated): gnomAD exomes 0.00002; ESP Exome Variant Server 0.00016.
gnomAD v4.1: 30 of 1,613,722 alleles (0.0019%); highest among the groups gnomAD compares: Middle Eastern, 0.033%; no homozygotes.

Submissions (3):

Ambry Genetics
Classification: Uncertain significance for Inborn genetic diseases. Last evaluated: 2025-10-14. Review status: criteria provided, single submitter. Criteria: Ambry Variant Classification Scheme 2023. Collection method: clinical testing. Allele origin: germline.
Comment: The c.9971G>A (p.G3324E) alteration is located in exon 6 (coding exon 6) of the PCLO gene. This alteration results from a G to A substitution at nucleotide position 9971, causing the glycine (G) at amino acid position 3324 to be replaced by a glutamic acid (E). Based on data from gnomAD, the A allele has an overall frequency of 0.002% (5/280498) total alleles studied. The highest observed frequency was 0.004% (1/24192) of African alleles. Based on insufficient or conflicting evidence, the clinical significance of this alteration remains unclear.

GeneDx
Classification: Uncertain significance. Last evaluated: 2024-10-30. Review status: criteria provided, single submitter. Criteria: GeneDx Variant Classification Process June 2021. Collection method: clinical testing. Allele origin: germline. Affected: yes.
Comment: In silico analysis supports that this missense variant has a deleterious effect on protein structure/function; Has not been previously published as pathogenic or benign to our knowledge; Variants in candidate genes are classified as variants of uncertain significance in accordance with ACMG guidelines (PMID: 25741868)

Labcorp Genetics (formerly Invitae), Labcorp
Classification: Uncertain significance. Last evaluated: 2024-10-28. Review status: criteria provided, single submitter. Criteria: Invitae Variant Classification Sherloc (09022015). Collection method: clinical testing. Allele origin: germline.
Comment: This sequence change replaces glycine, which is neutral and non-polar, with glutamic acid, which is acidic and polar, at codon 3324 of the PCLO protein (p.Gly3324Glu). This variant is present in population databases (rs200557838, gnomAD 0.008%). This variant has not been reported in the literature in individuals affected with PCLO-related conditions. ClinVar contains an entry for this variant (Variation ID: 1465423). Experimental studies and prediction algorithms are not available or were not evaluated, and the functional significance of this variant is currently unknown. In summary, the available evidence is currently insufficient to determine the role of this variant in disease. Therefore, it has been classified as a Variant of Uncertain Significance.